The following is an entry in ClinVar:

ClinVar aggregate classification (germline): Uncertain significance. Review status: criteria provided, multiple submitters, no conflicts (2 of 4 stars). 2 submissions from 2 submitters: Uncertain significance (2). Last evaluated 2024-01-04.

Conditions:
Progressive sclerosing poliodystrophy (MTDPS4A). Also called: NEURONAL DEGENERATION OF CHILDHOOD WITH LIVER DISEASE, PROGRESSIVE; Alpers Syndrome; Alpers-Huttenlocher Syndrome (AHS); ALPERS PROGRESSIVE INFANTILE POLIODYSTROPHY; Mitochondrial DNA Depletion Syndrome 4A; ALPERS DIFFUSE DEGENERATION OF CEREBRAL GRAY MATTER WITH HEPATIC CIRRHOSIS. Identifiers: Orphanet 726, MedGen C0205710, MONDO:0008758, OMIM 203700.

Allele frequency attached by ClinVar (database versions not stated): TOPMed below 0.00001; gnomAD exomes 0.00001.
gnomAD v4.1: 5 of 1,536,454 alleles (0.00033%); highest among the groups gnomAD compares: African/African-American, 0.0068%; no homozygotes.

Submissions (2):

Labcorp Genetics (formerly Invitae), Labcorp
Classification: Uncertain significance for Progressive sclerosing poliodystrophy. Last evaluated: 2024-01-04. Review status: criteria provided, single submitter. Criteria: Invitae Variant Classification Sherloc (09022015). Collection method: clinical testing. Allele origin: germline.
Comment: This sequence change replaces threonine, which is neutral and polar, with alanine, which is neutral and non-polar, at codon 13 of the POLG protein (p.Thr13Ala). This variant is not present in population databases (gnomAD no frequency). This variant has not been reported in the literature in individuals affected with POLG-related conditions. ClinVar contains an entry for this variant (Variation ID: 845199). Advanced modeling of protein sequence and biophysical properties (such as structural, functional, and spatial information, amino acid conservation, physicochemical variation, residue mobility, and thermodynamic stability) performed at Invitae indicates that this missense variant is not expected to disrupt POLG protein function with a negative predictive value of 95%. In summary, the available evidence is currently insufficient to determine the role of this variant in disease. Therefore, it has been classified as a Variant of Uncertain Significance.

GeneDx
Classification: Uncertain significance. Last evaluated: 2022-10-14. Review status: criteria provided, single submitter. Criteria: GeneDx Variant Classification Process June 2021. Collection method: clinical testing. Allele origin: germline. Affected: yes.
Comment: Not observed at significant frequency in large population cohorts (gnomAD); In silico analysis supports that this missense variant does not alter protein structure/function; Has not been previously published as pathogenic or benign to our knowledge

NM_002693.3(POLG):c.37A>G (p.Thr13Ala)

Genes: POLGARF (POLG alternative reading frame; minus strand), POLG (DNA polymerase gamma, catalytic subunit; minus strand). Cytogenetic location: 15q26.1.
Variant type: single nucleotide variant.
Coding change: c.37A>G on transcript NM_002693.3 (MANE Select); coding-DNA position 37, A replaced by G.
Protein change: p.Thr13Ala; replaces threonine 13 with alanine.
Molecular consequence: missense variant.
Genome position (GRCh38, 1-based): chr15:89,333,718, T>C on the plus strand (A>G on the coding strand, the complement: POLG is on the minus strand). VCF-style: chr15-89333718-T-C. GRCh37 (hg19) VCF-style: chr15-89876949-T-C.
Other names: c.37A>G, p.Thr13Ala (NM_001126131.2); short protein forms T13A.
Identifiers: ClinVar variation 845199 (VCV000845199.11), dbSNP rs999643917, ClinGen allele CA274566823.
Genomic context (GRCh38, chr15:89,333,718, plus strand): 5'-ACGCGGGGACGGAGCTGGAGACCCAGCGCCCCGGAGCTGGAACCGGCCCTGGCCCGACGG[T>C]GGCGCCGGCCACCTTCCTCCAGAGCAGGCGGCTCATGGTTGGTGCAGGGACCCCCACGCT-3'
Protein context (NP_002684.1, residues 3-23): RLLWRKVAGA[Thr13Ala]VGPGPVPAPG